The following is an entry in ClinVar:

NM_004204.5(PIGQ):c.1628C>T (p.Thr543Ile)

Gene: PIGQ (phosphatidylinositol glycan anchor biosynthesis class Q; plus strand). Cytogenetic location: 16p13.3.
Variant type: single nucleotide variant.
Coding change: c.1628C>T on transcript NM_004204.5 (MANE Select); coding-DNA position 1628, C replaced by T.
Protein change: p.Thr543Ile; replaces threonine 543 with isoleucine.
Molecular consequence: missense variant. On other transcripts: synonymous variant (1).
Genome position (GRCh38, 1-based): chr16:582,917, C>T. VCF-style: chr16-582917-C-T. GRCh37 (hg19) VCF-style: chr16-632917-C-T.
Other names: c.1566C>T, p.His522= (NM_148920.4); c.1566C>T (NM_148920.1); short protein forms T543I.
Identifiers: ClinVar variation 659445 (VCV000659445.10), dbSNP rs142961139, ClinGen allele CA7780496.

ClinVar aggregate classification (germline): Conflicting classifications of pathogenicity. Review status: criteria provided, conflicting classifications (1 of 4 stars). 3 submissions from 3 submitters: Uncertain significance (2); Likely benign (1). Last evaluated 2025-02-03.

Conditions:
Inborn genetic diseases. Identifiers: MedGen C0950123, MeSH D030342.
Epilepsy. Also called: Seizure disorder. Identifiers: MedGen C0014544, MeSH D004827, MONDO:0005027.

Allele frequency attached by ClinVar (database versions not stated): TOPMed 0.00033; ESP Exome Variant Server 0.00062.

Submissions (3):

Labcorp Genetics (formerly Invitae), Labcorp
Classification: Uncertain significance for Epilepsy. Last evaluated: 2025-02-03. Review status: criteria provided, single submitter. Criteria: Invitae Variant Classification Sherloc (09022015). Collection method: clinical testing. Allele origin: germline.
Comment: This sequence change replaces threonine, which is neutral and polar, with isoleucine, which is neutral and non-polar, at codon 543 of the PIGQ protein (p.Thr543Ile). This variant is present in population databases (rs142961139, gnomAD 0.09%). This variant has not been reported in the literature in individuals affected with PIGQ-related conditions. ClinVar contains an entry for this variant (Variation ID: 659445). An algorithm developed to predict the effect of missense changes on protein structure and function (PolyPhen-2) suggests that this variant¬†is likely to be tolerated. In summary, the available evidence is currently insufficient to determine the role of this variant in disease. Therefore, it has been classified as a Variant of Uncertain Significance.

Ambry Genetics
Classification: Likely benign for Inborn genetic diseases. Last evaluated: 2025-01-16. Review status: criteria provided, single submitter. Criteria: Ambry Variant Classification Scheme 2023. Collection method: clinical testing. Allele origin: germline.

GeneDx
Classification: Uncertain significance. Last evaluated: 2022-12-17. Review status: criteria provided, single submitter. Criteria: GeneDx Variant Classification Process June 2021. Collection method: clinical testing. Allele origin: germline. Affected: yes.
Comment: In silico analysis supports that this missense variant does not alter protein structure/function; Has not been previously published as pathogenic or benign to our knowledge